The following is an entry in ClinVar:

ClinVar aggregate classification (germline): Uncertain significance (1 of 4 stars; one submission).

Submission:

Ambry Genetics
Classification: Uncertain significance. Last evaluated: 2025-01-20. Review status: criteria provided, single submitter. Criteria: Ambry Variant Classification Scheme 2023. Collection method: clinical testing. Allele origin: germline.
Comment: The p.L1484I variant (also known as c.4450T>A), located in coding exon 40 of the KIF1B gene, results from a T to A substitution at nucleotide position 4450. The leucine at codon 1484 is replaced by isoleucine, an amino acid with highly similar properties. This amino acid position is conserved. In addition, this alteration is predicted to be tolerated by in silico analysis. Based on the available evidence, the clinical significance of this variant remains unclear.

NM_001365951.3(KIF1B):c.4588T>A (p.Leu1530Ile)

Gene: KIF1B (kinesin family member 1B; plus strand). Cytogenetic location: 1p36.22.
Variant type: single nucleotide variant.
Coding change: c.4588T>A on transcript NM_001365951.3 (MANE Select); coding-DNA position 4588, T replaced by A.
Protein change: p.Leu1530Ile; replaces leucine 1530 with isoleucine.
Molecular consequence: missense variant.
Genome position (GRCh38, 1-based): chr1:10,365,484, T>A. VCF-style: chr1-10365484-T-A. GRCh37 (hg19) VCF-style: chr1-10425542-T-A.
Other names: c.4588T>A, p.Leu1530Ile (NM_001365952.1); c.4450T>A, p.Leu1484Ile (NM_015074.3); short protein forms L1530I, L1484I.
Identifiers: ClinVar variation 3864076 (VCV003864076.1).